The following is an entry in ClinVar:

ClinVar aggregate classification (germline): Conflicting classifications of pathogenicity. Review status: criteria provided, conflicting classifications (1 of 4 stars). 4 submissions from 4 submitters: Uncertain significance (2); Likely benign (1). 1 of the submissions does not count toward it. Last evaluated 2024-10-31.

Conditions:
Hereditary cancer-predisposing syndrome. Also called: Hereditary Cancer Syndrome; Tumor predisposition; Neoplastic Syndromes, Hereditary; Hereditary neoplastic syndrome. Identifiers: Orphanet 140162, MedGen C0027672, MeSH D009386, MONDO:0015356.
Gastrointestinal stromal tumor. Also called: Gastrointestinal stromal tumor, somatic; Gastrointestinal stroma tumor. Identifiers: Orphanet 44890, MedGen C0238198, MeSH D046152, MONDO:0011719, OMIM 606764, HP:0100723.

gnomAD v4.1: 18 of 1,614,070 alleles (0.0011%); highest among the groups gnomAD compares: Non-Finnish European, 0.0014%; no homozygotes.

Submissions (4):

Labcorp Genetics (formerly Invitae), Labcorp
Classification: Uncertain significance for Gastrointestinal stromal tumor. Last evaluated: 2024-10-31. Review status: criteria provided, single submitter. Criteria: Invitae Variant Classification Sherloc (09022015). Collection method: clinical testing. Allele origin: germline.
Comment: This sequence change replaces proline, which is neutral and non-polar, with leucine, which is neutral and non-polar, at codon 468 of the KIT protein (p.Pro468Leu). The frequency data for this variant in the population databases is considered unreliable, as metrics indicate poor data quality at this position in the gnomAD database. This variant has not been reported in the literature in individuals affected with KIT-related conditions. ClinVar contains an entry for this variant (Variation ID: 41598). An algorithm developed to predict the effect of missense changes on protein structure and function (PolyPhen-2) suggests that this variant is likely to be tolerated. In summary, the available evidence is currently insufficient to determine the role of this variant in disease. Therefore, it has been classified as a Variant of Uncertain Significance.

Ambry Genetics
Classification: Likely benign for Hereditary cancer-predisposing syndrome. Last evaluated: 2024-09-27. Review status: criteria provided, single submitter. Criteria: Ambry Variant Classification Scheme 2023. Collection method: clinical testing. Allele origin: germline.

Baylor Genetics
Classification: Uncertain significance for Gastrointestinal stromal tumor. Last evaluated: 2024-02-18. Review status: criteria provided, single submitter. Criteria: ACMG Guidelines, 2015. Collection method: clinical testing. Allele origin: unknown.

Biesecker Lab/Clinical Genomics Section, National Institutes of Health
Classification: Uncertain significance. Last evaluated: 2012-07-13. Review status: no assertion criteria provided. Collection method: research. Allele origin: germline. Affected: no. Observed: 1 variant allele. Study: ClinSeq. Not counted in ClinVar's aggregate classification.
ClinVar note: Converted during submission from variant of unknown significance to Uncertain significance.

NM_000222.3(KIT):c.1403C>T (p.Pro468Leu)

Gene: KIT (KIT proto-oncogene, receptor tyrosine kinase; plus strand). Cytogenetic location: 4q12.
Variant type: single nucleotide variant.
Coding change: c.1403C>T on transcript NM_000222.3 (MANE Select); coding-DNA position 1403, C replaced by T.
Protein change: p.Pro468Leu; replaces proline 468 with leucine.
Molecular consequence: missense variant.
Genome position (GRCh38, 1-based): chr4:54,725,913, C>T. VCF-style: chr4-54725913-C-T. GRCh37 (hg19) VCF-style: chr4-55592079-C-T.
Other names: c.1403C>T, p.Pro468Leu (NM_001093772.2, NM_001385285.1, NM_001385286.1); c.1406C>T, p.Pro469Leu (NM_001385284.1, NM_001385288.1, NM_001385290.1 and 1 more transcripts); short protein forms P468L, P469L.
Identifiers: ClinVar variation 41598 (VCV000041598.14), dbSNP rs200518498, ClinGen allele CA215584.